The following is an entry in ClinVar:

NM_003239.5(TGFB3):c.554A>G (p.Tyr185Cys)

Gene: TGFB3 (transforming growth factor beta 3; minus strand). Cytogenetic location: 14q24.3.
Variant type: single nucleotide variant.
Coding change: c.554A>G on transcript NM_003239.5 (MANE Select); coding-DNA position 554, A replaced by G.
Protein change: p.Tyr185Cys; replaces tyrosine 185 with cysteine.
Molecular consequence: missense variant.
Genome position (GRCh38, 1-based): chr14:75,971,218, T>C on the plus strand (A>G on the coding strand, the complement: TGFB3 is on the minus strand). VCF-style: chr14-75971218-T-C. GRCh37 (hg19) VCF-style: chr14-76437561-T-C.
Other names: c.554A>G, p.Tyr185Cys (NM_001329938.2, NM_001329939.2); short protein forms Y185C.
Identifiers: ClinVar variation 3325700 (VCV003325700.1).

ClinVar aggregate classification (germline): Uncertain significance (1 of 4 stars; one submission).

Conditions:
Familial thoracic aortic aneurysm and aortic dissection (TAAD). Also called: Thoracic aortic aneurysms and dissections. Identifiers: Orphanet 91387, MedGen C4707243, MONDO:0019625.

gnomAD v4.1: 5 of 1,613,976 alleles (0.00031%); highest among the groups gnomAD compares: Non-Finnish European, 0.00042%; no homozygotes.

Submission:

Ambry Genetics
Classification: Uncertain significance for Familial thoracic aortic aneurysm and aortic dissection. Last evaluated: 2024-06-21. Review status: criteria provided, single submitter. Criteria: Ambry Variant Classification Scheme 2023. Collection method: clinical testing. Allele origin: germline.
Comment: The p.Y185C variant (also known as c.554A>G), located in coding exon 3 of the TGFB3 gene, results from an A to G substitution at nucleotide position 554. The tyrosine at codon 185 is replaced by cysteine, an amino acid with highly dissimilar properties. This amino acid position is conserved. In addition, this alteration is predicted to be deleterious by in silico analysis. Based on the available evidence, the clinical significance of this variant remains unclear.